The following is an entry in ClinVar:

ClinVar aggregate classification (germline): Likely benign (0 of 4 stars; one submission).

Conditions:
EP300-related disorder. Also called: EP300-related condition; EP300-related disorders.

gnomAD v4.1: 1 of 1,614,168 alleles (0.000062%); no homozygotes.

Submission:

PreventionGenetics, part of Exact Sciences
Classification: Likely benign for EP300-related condition. Last evaluated: 2024-05-15. Review status: no assertion criteria provided. Collection method: clinical testing. Allele origin: germline.
Comment: This variant is classified as likely benign based on ACMG/AMP sequence variant interpretation guidelines (Richards et al. 2015 PMID: 25741868, with internal and published modifications).

NM_001429.4(EP300):c.7051C>T (p.Leu2351=)

Gene: EP300 (E1A binding protein p300; plus strand). Cytogenetic location: 22q13.2.
Variant type: single nucleotide variant.
Coding change: c.7051C>T on transcript NM_001429.4 (MANE Select); coding-DNA position 7051, C replaced by T.
Protein change: p.Leu2351=; no amino-acid change (leucine 2351 retained).
Molecular consequence: synonymous variant.
Genome position (GRCh38, 1-based): chr22:41,178,762, C>T. VCF-style: chr22-41178762-C-T. GRCh37 (hg19) VCF-style: chr22-41574766-C-T.
Other names: c.6973C>T, p.Leu2325= (NM_001362843.2).
Identifiers: ClinVar variation 3344812 (VCV003344812.1).